The following is an entry in ClinVar:

NM_003865.3(HESX1):c.214C>T (p.Pro72Ser)

Gene: HESX1 (HESX homeobox 1; minus strand). Cytogenetic location: 3p14.3.
Variant type: single nucleotide variant.
Coding change: c.214C>T on transcript NM_003865.3 (MANE Select); coding-DNA position 214, C replaced by T.
Protein change: p.Pro72Ser; replaces proline 72 with serine.
Molecular consequence: missense variant.
Genome position (GRCh38, 1-based): chr3:57,198,896, G>A on the plus strand (C>T on the coding strand, the complement: HESX1 is on the minus strand). VCF-style: chr3-57198896-G-A. GRCh37 (hg19) VCF-style: chr3-57232924-G-A.
Other names: c.214C>T, p.Pro72Ser (NM_001376058.1, NM_001376059.1, NM_001376060.1 and 1 more transcripts); short protein forms P72S.
Identifiers: ClinVar variation 4786302 (VCV004786302.1).

ClinVar aggregate classification (germline): Uncertain significance (1 of 4 stars; one submission).

Conditions:
GROWTH HORMONE DEFICIENCY WITH PITUITARY ANOMALIES. Identifiers: MedGen C2750027, OMIM 182230.
Septo-optic dysplasia sequence (SOD). Also called: Septo-optic dysplasia; DE MORSIER SYNDROME. Identifiers: Orphanet 3157, MedGen C0338503, MONDO:0008428, OMIM 182230, HP:0100842.

Submission:

Labcorp Genetics (formerly Invitae), Labcorp
Classification: Uncertain significance for GROWTH HORMONE DEFICIENCY WITH PITUITARY ANOMALIES; Septo-optic dysplasia sequence. Last evaluated: 2025-10-29. Review status: criteria provided, single submitter. Criteria: Invitae Variant Classification Sherloc (09022015). Collection method: clinical testing. Allele origin: germline.
Comment: This sequence change replaces proline, which is neutral and non-polar, with serine, which is neutral and polar, at codon 72 of the HESX1 protein (p.Pro72Ser). This variant is not present in population databases (gnomAD no frequency). This variant has not been reported in the literature in individuals affected with HESX1-related conditions. An algorithm developed to predict the effect of missense changes on protein structure and function outputs the following: PolyPhen-2: "Benign". The serine amino acid residue is found in multiple mammalian species, which suggests that this missense change does not adversely affect protein function. In summary, the available evidence is currently insufficient to determine the role of this variant in disease. Therefore, it has been classified as a Variant of Uncertain Significance.